The following is an entry in ClinVar:

ClinVar aggregate classification (germline): Uncertain significance. Review status: criteria provided, multiple submitters, no conflicts (2 of 4 stars). 2 submissions from 2 submitters: Uncertain significance (2). Last evaluated 2026-07-01.

Conditions:
Glycogen storage disease, type II (IOPD). Also called: CARDIOMEGALIA GLYCOGENICA DIFFUSA; GLYCOGENOSIS, GENERALIZED, CARDIAC FORM; GSD II; Glycogen storage disease type 2; Acid maltase deficiency disease; Aglucosidase alfa. Identifiers: Orphanet 365, MedGen C0017921, MONDO:0009290, OMIM 232300.

Submissions (2):

Genomenon, Inc
Classification: Uncertain significance for Glycogen storage disease, type II. Last evaluated: 2026-07-01. Review status: criteria provided, single submitter. Criteria: Genomenon Sequence Variant Interpretation Standards - Updated. Collection method: curation. Allele origin: germline. Affected: no.
Comment: GAA p.Arg464_Gly465delinsSerTrp (c.1392_1393delinsTT) is an in-frame deletion-insertion variant resulting in the replacement of Arginine at codon 464 and Glycine at codon 465 with Serine and Tryptophan. This variant has been reported in the published literature (PMID:33073007). It is absent or not present at a significant frequency in gnomAD. In conclusion, we classify GAA p.Arg464_Gly465delinsSerTrp (c.1392_1393delinsTT) as a variant of uncertain significance.

Labcorp Genetics (formerly Invitae), Labcorp
Classification: Uncertain significance for Glycogen storage disease, type II. Last evaluated: 2022-08-20. Review status: criteria provided, single submitter. Criteria: Invitae Variant Classification Sherloc (09022015). Collection method: clinical testing. Allele origin: germline.
Comment: This variant, c.1392_1393delinsTT, is a complex sequence change that results in the replacement of 2 amino acid(s) in the GAA protein (p.Arg464_Gly465delinsSerTrp). Information on the frequency of this variant in the gnomAD database is not available, as this variant may be reported differently in the database. This variant has not been reported in the literature in individuals affected with GAA-related conditions. Experimental studies and prediction algorithms are not available or were not evaluated, and the functional significance of this variant is currently unknown. In summary, the available evidence is currently insufficient to determine the role of this variant in disease. Therefore, it has been classified as a Variant of Uncertain Significance.

Literature cited by the submitters: PubMed 33073007 (cited by Genomenon, Inc).

NM_000152.5(GAA):c.1392_1393delinsTT (p.Arg464_Gly465delinsSerTrp)

Gene: GAA (alpha glucosidase; plus strand). Cytogenetic location: 17q25.3.
Variant type: Indel.
Coding change: c.1392_1393delinsTT on transcript NM_000152.5 (MANE Select); coding-DNA positions 1392 to 1393, GG replaced by TT.
Protein change: p.Arg464_Gly465delinsSerTrp.
Molecular consequence: missense variant.
Genome position (GRCh38, 1-based): chr17:80,110,010-80,110,011, GG replaced by TT. VCF-style: chr17-80110010-GG-TT. GRCh37 (hg19) VCF-style: chr17-78083809-GG-TT.
Other names: c.1392_1393delinsTT, p.Arg464_Gly465delinsSerTrp (NM_001079803.3, NM_001079804.3); c.1392_1393delGGinsTT, p.Arg464_Gly465delinsSerTrp (NM_001406741.1, NM_001406742.1).
Identifiers: ClinVar variation 2025091 (VCV002025091.5), dbSNP rs2510370511, ClinGen allele CA2580095727.
Genomic context (GRCh38, chr17:80,110,010, plus strand): 5'-TGCCATCAGCAGCTCGGGCCCTGCCGGGAGCTACAGGCCCTACGACGAGGGTCTGCGGAG[GG>TT]GGGTTTTCATCACCAACGAGACCGGCCAGCCGCTGATTGGGAAGGTAGGGCGAGGGTCCA-3'